The following is an entry in ClinVar:

ClinVar aggregate classification (germline): Uncertain significance (1 of 4 stars; one submission).

Allele frequency attached by ClinVar (database versions not stated): gnomAD exomes below 0.00001; TOPMed 0.00002.
gnomAD v4.1: 2 of 1,614,202 alleles (0.00012%); highest among the groups gnomAD compares: African/African-American, 0.0027%; no homozygotes.

Submission:

Ambry Genetics
Classification: Uncertain significance. Last evaluated: 2024-04-09. Review status: criteria provided, single submitter. Criteria: Ambry Variant Classification Scheme 2023. Collection method: clinical testing. Allele origin: germline.
Comment: The p.N179Y variant (also known as c.535A>T), located in coding exon 3 of the ALPK2 gene, results from an A to T substitution at nucleotide position 535. The asparagine at codon 179 is replaced by tyrosine, an amino acid with dissimilar properties. This amino acid position is conserved. In addition, this alteration is predicted to be tolerated by in silico analysis. Since supporting evidence is limited at this time, the clinical significance of this alteration remains unclear.

NM_052947.4(ALPK2):c.535A>T (p.Asn179Tyr)

Gene: ALPK2 (alpha kinase 2; minus strand). Cytogenetic location: 18q21.31.
Variant type: single nucleotide variant.
Coding change: c.535A>T on transcript NM_052947.4 (MANE Select); coding-DNA position 535, A replaced by T.
Protein change: p.Asn179Tyr; replaces asparagine 179 with tyrosine.
Molecular consequence: missense variant.
Genome position (GRCh38, 1-based): chr18:58,580,241, T>A on the plus strand (A>T on the coding strand, the complement: ALPK2 is on the minus strand). VCF-style: chr18-58580241-T-A. GRCh37 (hg19) VCF-style: chr18-56247473-T-A.
Other names: short protein forms N179Y.
Identifiers: ClinVar variation 1747050 (VCV001747050.3), dbSNP rs1162889039, ClinGen allele CA402567764.